The following is an entry in ClinVar:

NM_004336.5(BUB1):c.1150C>T (p.Pro384Ser)

Gene: BUB1 (BUB1 mitotic checkpoint serine/threonine kinase; minus strand). Cytogenetic location: 2q13.
Variant type: single nucleotide variant.
Coding change: c.1150C>T on transcript NM_004336.5 (MANE Select); coding-DNA position 1150, C replaced by T.
Protein change: p.Pro384Ser; replaces proline 384 with serine.
Molecular consequence: missense variant.
Genome position (GRCh38, 1-based): chr2:110,661,649, G>A on the plus strand (C>T on the coding strand, the complement: BUB1 is on the minus strand). VCF-style: chr2-110661649-G-A. GRCh37 (hg19) VCF-style: chr2-111419226-G-A.
Other names: c.1090C>T, p.Pro364Ser (NM_001278616.2); c.1150C>T, p.Pro384Ser (NM_001278617.2); short protein forms P384S, P364S.
Identifiers: ClinVar variation 1733979 (VCV001733979.2), dbSNP rs1690100307, ClinGen allele CA348214310.
Genomic context (GRCh38, chr2:110,661,649, plus strand): 5'-CTTTGCTGGCCACTGCAAACATGGAGTCTGTTACTGTCTGGGCTTTCAAAGGAACAGGAG[G>A]AGCAATGCTCTGGCTGGTGGCTGGGGACACCAAAGCTGCAGAAATAGCATTTGCCAAAGG-3'
Protein context (NP_004327.1, residues 374-394): VSPATSQSIA[Pro384Ser]PVPLKAQTVT

ClinVar aggregate classification (germline): Uncertain significance (1 of 4 stars; one submission).

Allele frequency attached by ClinVar (database versions not stated): TOPMed below 0.00001.

Submission:

Ambry Genetics
Classification: Uncertain significance. Last evaluated: 2022-08-09. Review status: criteria provided, single submitter. Criteria: Ambry Variant Classification Scheme 2023. Collection method: clinical testing. Allele origin: germline.
Comment: The p.P384S variant (also known as c.1150C>T), located in coding exon 10 of the BUB1 gene, results from a C to T substitution at nucleotide position 1150. The proline at codon 384 is replaced by serine, an amino acid with similar properties. This amino acid position is conserved. In addition, this alteration is predicted to be tolerated by in silico analysis. Since supporting evidence is limited at this time, the clinical significance of this alteration remains unclear.